The following is an entry in ClinVar:

NM_002667.5(PLN):c.43G>A (p.Ala15Thr)

Genes: CEP85L (centrosomal protein 85L; minus strand), PLN (phospholamban; plus strand). Cytogenetic location: 6q22.31.
Variant type: single nucleotide variant.
Coding change: c.43G>A on transcript NM_002667.5 (MANE Select); coding-DNA position 43, G replaced by A.
Protein change: p.Ala15Thr; replaces alanine 15 with threonine.
Molecular consequence: missense variant. On other transcripts: intron variant (3).
Genome position (GRCh38, 1-based): chr6:118,558,964, G>A. VCF-style: chr6-118558964-G-A. GRCh37 (hg19) VCF-style: chr6-118880127-G-A.
Other names: c.1029+6565C>T (NM_001178035.2); c.1020+6565C>T (NM_001042475.3, NM_206921.3); short protein forms A15T.
Identifiers: ClinVar variation 44581 (VCV000044581.10), dbSNP rs397516785, ClinGen allele CA134581.

ClinVar aggregate classification (germline): Conflicting classifications of pathogenicity. Review status: criteria provided, conflicting classifications (1 of 4 stars). 2 submissions from 2 submitters: Pathogenic (1); Uncertain significance (1). Last evaluated 2025-10-01.

Conditions:
Dilated cardiomyopathy 1P (CMD1P). Identifiers: Orphanet 154, MedGen C1835928, MONDO:0012362, OMIM 609909.

Submissions (2):

Labcorp Genetics (formerly Invitae), Labcorp
Classification: Pathogenic for Dilated cardiomyopathy 1P. Last evaluated: 2025-10-01. Review status: criteria provided, single submitter. Criteria: Invitae Variant Classification Sherloc (09022015). Collection method: clinical testing. Allele origin: germline.
Comment: This sequence change replaces alanine, which is neutral and non-polar, with threonine, which is neutral and polar, at codon 15 of the PLN protein (p.Ala15Thr). This variant is not present in population databases (gnomAD no frequency). This missense change has been observed in individual(s) with clinical features of dilated cardiomyopathy (PMID: 24503780; internal data). In at least one individual the variant was observed to be de novo. ClinVar contains an entry for this variant (Variation ID: 44581). An algorithm developed to predict the effect of missense changes on protein structure and function (PolyPhen-2) suggests that this variant is likely to be disruptive. Experimental studies have shown that this missense change affects PLN function (PMID: 38387507). For these reasons, this variant has been classified as Pathogenic.

Laboratory for Molecular Medicine, Mass General Brigham Personalized Medicine
Classification: Uncertain significance. Last evaluated: 2012-05-01. Review status: criteria provided, single submitter. Criteria: LMM Criteria. Collection method: clinical testing. Allele origin: germline. Observed: 2 variant alleles.
Comment: Variant classified as Uncertain Significance - Favor Pathogenic. This variant has not been identified in a very large and b road population by the NHLBI Exome Sequencing Project (. edu/EVS); this low frequency supports a pathogenic role. Computational analyses (biochemical amino acid properties, conservation, AlignGVGD, PolyPhen2, and SIFT ) suggest that the Ala15Thr variant may impact the protein, though this informat ion is not predictive enough to determine pathogenicity. In summary, additional data is needed to determine the clinical significance of this variant.

Literature cited by the submitters: PubMed 24503780 (cited by Labcorp Genetics (formerly Invitae), Labcorp); PubMed 38387507 (cited by Labcorp Genetics (formerly Invitae), Labcorp).